The following is an entry in ClinVar:

NM_001363711.2(DUOX2):c.2800G>A (p.Glu934Lys)

Gene: DUOX2 (dual oxidase 2; minus strand). Cytogenetic location: 15q21.1.
Variant type: single nucleotide variant.
Coding change: c.2800G>A on transcript NM_001363711.2 (MANE Select); coding-DNA position 2800, G replaced by A.
Protein change: p.Glu934Lys; replaces glutamic acid 934 with lysine.
Molecular consequence: missense variant.
Genome position (GRCh38, 1-based): chr15:45,101,844, C>T on the plus strand (G>A on the coding strand, the complement: DUOX2 is on the minus strand). VCF-style: chr15-45101844-C-T. GRCh37 (hg19) VCF-style: chr15-45394042-C-T.
Other names: c.2800G>A, p.Glu934Lys (NM_014080.5); short protein forms E934K.
Identifiers: ClinVar variation 1400148 (VCV001400148.6), dbSNP rs148333059, ClinGen allele CA7538145.

ClinVar aggregate classification (germline): Uncertain significance (1 of 4 stars; one submission).

Allele frequency attached by ClinVar (database versions not stated): gnomAD exomes below 0.00001 and 0.00001; ExAC 0.00001; gnomAD 0.00001; TOPMed 0.00002; ESP Exome Variant Server 0.00008.

Submission:

Labcorp Genetics (formerly Invitae), Labcorp
Classification: Uncertain significance. Last evaluated: 2025-04-17. Review status: criteria provided, single submitter. Criteria: Invitae Variant Classification Sherloc (09022015). Collection method: clinical testing. Allele origin: germline.
Comment: This sequence change replaces glutamic acid, which is acidic and polar, with lysine, which is basic and polar, at codon 934 of the DUOX2 protein (p.Glu934Lys). This variant is present in population databases (rs148333059, gnomAD 0.007%). This missense change has been observed in individual(s) with congenital hypothyroidism (PMID: 33631011, 34564849). ClinVar contains an entry for this variant (Variation ID: 1400148). Invitae Evidence Modeling of protein sequence and biophysical properties (such as structural, functional, and spatial information, amino acid conservation, physicochemical variation, residue mobility, and thermodynamic stability) indicates that this missense variant is not expected to disrupt DUOX2 protein function with a negative predictive value of 80%. Experimental studies have shown that this missense change affects DUOX2 function (PMID: 34564849). In summary, the available evidence is currently insufficient to determine the role of this variant in disease. Therefore, it has been classified as a Variant of Uncertain Significance.

Literature cited by the submitters: PubMed 33631011; PubMed 34564849.